The following is an entry in ClinVar:

ClinVar aggregate classification (germline): Pathogenic/Likely pathogenic. Review status: criteria provided, multiple submitters, no conflicts (2 of 4 stars). 2 submissions from 2 submitters: Pathogenic (1); Likely pathogenic (1). Last evaluated 2025-06-24.

Conditions:
Junctional epidermolysis bullosa. Identifiers: Orphanet 305, MedGen C0079301, MONDO:0017612.

Submissions (2):

Revvity Omics, Revvity
Classification: Likely pathogenic. Last evaluated: 2025-06-24. Review status: criteria provided, single submitter. Criteria: ACMG Guidelines, 2015. Collection method: clinical testing. Allele origin: germline.

Myriad Genetics, Inc.
Classification: Pathogenic for Junctional epidermolysis bullosa. Last evaluated: 2023-09-27. Review status: criteria provided, single submitter. Criteria: Myriad Autosomal Dominant, Autosomal Recessive and X-Linked Classification Criteria (2023). Collection method: clinical testing. Allele origin: unknown.
Comment: NM_000228.2(LAMB3):c.1696dupC(Q566Pfs*8) is expected to be pathogenic in the context of junctional epidermolysis bullosa, LAMB3-related. This variant is predicted to lead to an abnormal or absent protein product due to the creation of a premature termination codon in LAMB3, a gene where loss-of-function variants are known to be pathogenic. Please note: this variant was assessed in the context of healthy population screening.

NM_000228.3(LAMB3):c.1696dup (p.Gln566fs)

Gene: LAMB3 (laminin subunit beta 3; minus strand). Cytogenetic location: 1q32.2.
Variant type: Duplication.
Coding change: c.1696dup on transcript NM_000228.3 (MANE Select); coding-DNA position 1696, one base duplicated (C; older notation c.1696dupC).
Protein change: p.Gln566fs; shifts the reading frame from glutamine 566.
Molecular consequence: frameshift variant.
Genome position (GRCh38, 1-based): chr1:209,625,928, G duplicated on the plus strand (C on the coding strand, the reverse complement: LAMB3 is on the minus strand); the first of 2 consecutive G bases (chr1:209,625,928-209,625,929); duplicating either gives the same sequence. VCF-style (leftmost placement, unchanged base first): chr1-209625927-T-TG. GRCh37 (hg19) VCF-style: chr1-209799272-T-TG.
Other names: c.1696dup, p.Gln566fs (NM_001017402.2, NM_001127641.1); short protein forms Q566fs.
Identifiers: ClinVar variation 4081486 (VCV004081486.2).